The following is an entry in ClinVar:

ClinVar aggregate classification (germline): Conflicting classifications of pathogenicity. Review status: criteria provided, conflicting classifications (1 of 4 stars). 3 submissions from 3 submitters: Uncertain significance (1); Benign (1); Likely benign (1). Last evaluated 2026-09-01.

Conditions:
Infantile neuroaxonal dystrophy (NBIA2A). Also called: Infantile neuroaxonal dystrophy 1; NEURODEGENERATION WITH BRAIN IRON ACCUMULATION 2A; SEITELBERGER DISEASE. Identifiers: Orphanet 35069, MedGen C0270724, MONDO:0024457, OMIM 256600.
Iron accumulation in brain. Identifiers: MedGen C4021076, HP:0012675.

Allele frequency attached by ClinVar (database versions not stated): gnomAD below 0.00001 and 0.00002; TOPMed 0.00001; gnomAD exomes 0.00003 and 0.00009; 1000 Genomes Project 30x 0.00016; 1000 Genomes Project 0.00020; ExAC 0.00023.
gnomAD v4.1: 50 of 1,597,430 alleles (0.0031%); highest among the groups gnomAD compares: South Asian, 0.048%; 1 homozygote.

Submissions (3):

CeGaT Center for Human Genetics Tuebingen
Classification: Likely benign. Last evaluated: 2026-09-01. Review status: criteria provided, single submitter. Criteria: CeGaT Center For Human Genetics Tuebingen Variant Classification Criteria Version 2. Collection method: clinical testing. Allele origin: germline. Affected: yes. Observed: 1 variant allele.
Comment: PLA2G6: BP4, BP7

Labcorp Genetics (formerly Invitae), Labcorp
Classification: Benign for Infantile neuroaxonal dystrophy. Last evaluated: 2025-12-27. Review status: criteria provided, single submitter. Criteria: Invitae Variant Classification Sherloc (09022015). Collection method: clinical testing. Allele origin: germline.

Genetic Services Laboratory, University of Chicago
Classification: Uncertain significance for iron accumulation in brain. Last evaluated: 2013-02-08. Review status: criteria provided, single submitter. Criteria: ACMG Guidelines, 2007. Collection method: clinical testing. Allele origin: germline. Inheritance: Autosomal recessive inheritance.

NM_003560.4(PLA2G6):c.786C>T (p.Phe262=)

Gene: PLA2G6 (phospholipase A2 group VI; minus strand). Cytogenetic location: 22q13.1.
Variant type: single nucleotide variant.
Coding change: c.786C>T on transcript NM_003560.4 (MANE Select); coding-DNA position 786, C replaced by T.
Protein change: p.Phe262=; no amino-acid change (phenylalanine 262 retained).
Molecular consequence: synonymous variant. On other transcripts: intron variant (1).
Genome position (GRCh38, 1-based): chr22:38,139,993, G>A on the plus strand (C>T on the coding strand, the complement: PLA2G6 is on the minus strand). VCF-style: chr22-38139993-G-A. GRCh37 (hg19) VCF-style: chr22-38536000-G-A.
Other names: c.786C>T, p.Phe262= (NM_001004426.3, NM_001199562.3, NM_001349864.2 and 2 more transcripts); c.252C>T, p.Phe84= (NM_001349867.2, NM_001349869.2); c.119+3112C>T (NM_001349868.2).
Identifiers: ClinVar variation 159779 (VCV000159779.11), dbSNP rs546742857, ClinGen allele CA173291.